The following is an entry in ClinVar:

ClinVar aggregate classification (germline): Likely pathogenic. Review status: reviewed by expert panel (3 of 4 stars). 12 submissions from 11 submitters: Likely pathogenic (1). 11 of the submissions do not count toward it. Last evaluated 2022-06-30.

Conditions:
NARP syndrome. Also called: NEUROPATHY, ATAXIA, AND RETINITIS PIGMENTOSA; NARP. Identifiers: Orphanet 644, MedGen C1328349, MONDO:0010794, OMIM 551500.
Leber optic atrophy (LHON). Also called: Leber hereditary optic neuropathy; Leber's disease; Leber's optic atrophy; Optic Atrophy, Hereditary, Leber. Identifiers: Orphanet 104, MedGen C0917796, MONDO:0010788, OMIM 535000, HP:0001112.
MT-ATP6-related disorder.
Primary Mitochondrial Disorders. Identifiers: MedGen CN381104.
Mitochondrial disease. Also called: Mitochondrial disorder; Mitochondrial disorders. Identifiers: Orphanet 68380, MedGen C0751651, MeSH D028361, MONDO:0044970.
Leigh syndrome (NULS). Also called: Leigh's syndrome; Leigh Disease; Subacute necrotizing encephalopathy; Necrotizing encephalopathy infantile subacute of Leigh; LEIGH SYNDROME, NUCLEAR; Leigh's necrotizing encephalopathy. Identifiers: Orphanet 506, MedGen C2931891, MONDO:0009723, OMIM 256000.
MT-ATP6-related primary mitochondrial disease.
Progressive cerebellar ataxia. Identifiers: MedGen C0393525, HP:0002073.

Submissions 1 to 7 of 12:

ClinGen Mitochondrial Disease Nuclear and Mitochondrial  Variant Curation Expert Panel, ClinGen
Classification: Likely pathogenic for Mitochondrial disease. Last evaluated: 2022-06-30. Review status: reviewed by expert panel. Criteria: clingen mito disease acmg specifications v1-1. Collection method: curation. Allele origin: germline. Inheritance: Mitochondrial inheritance.
Comment: The m.9035T>C (p.L170P) variant in MT-ATP6 has been reported in 10 unrelated individuals with primary mitochondrial disease with shared features of cerebellar ataxia, progressive gait disturbance, sensory neuropathy, and fatigue; several showed developmental delays and learning disabilities (PS4_moderate; five from the literature; PMIDs: 19626676; 22577227; 31187502; an additional five cases with the same clinical presentations as above were submitted to this VCEP from expert panel members, and the expert panel agreed to include these cases). All cases were homoplasmic or near-homoplasmic (94-98%). There are no reported de novo occurrences of this variant to our knowledge. Given this variant typically occurs at homoplasmy, there are no large families with varying heteroplasmy levels to consider for segregation. This variant is absent in the GenBank dataset, Helix dataset, and gnomAD v3.1.2 (PM2_supporting). The computational predictor APOGEE gives a consensus rating of pathogenic with a score of 0.78 (Min=0, Max=1), which predicts a damaging effect on gene function (PP3). Cybrid studies show two different classes of function defects: (1) 85% reduction of F1F0 ATP synthase activity and a resulting 40-50% reduction in ATP output, and (2) an 8-fold higher level of damaging ROS (PS3_moderate; PMID: 19626676). In summary, this variant meets criteria to be classified as likely pathogenic for primary mitochondrial disease inherited in a mitochondrial manner. This classification was approved by the NICHD/NINDS U24 Mitochondrial Disease Variant Curation Expert Panel on June 13, 2022. Mitochondrial DNA-specific ACMG/AMP criteria applied (PMID: 32906214): PS4_moderate, PP3, PM2_supporting, PS3_moderate.

Variantyx, Inc.
Classification: Likely pathogenic for Primary mitochondrial disorders. Last evaluated: 2025-09-04. Review status: criteria provided, single submitter. Criteria: Variantyx Assertion Criteria 2022. Collection method: clinical testing. Allele origin: germline. Not counted in ClinVar's aggregate classification.
Comment: The m.9035T>C, c.509T>C, p.Leu170Pro change is a a nonsynonymous single nucleotide variant in the MT-ATP6 gene. Pathogenic variants in this gene have been associated with primary mitochondrial disorders. This variant has been observed to segregate with disease in at least two individuals from one family; unaffected family members may have lower to undetectable levels of the variant (PMID: 22577227) (PP1). Functional studies show a deleterious effect for this variant (PMID: 19626676) (PS3) and computational algorithms support a deleterious effect on the gene or gene product 0.58 (PP3). This variant is absent from control populations (PM2). Other reputable laboratories have reported this variant as pathogenic or likely pathogenic, and this classification has been validated by an expert panel in ClinVar (PP5). Based on the current evidence, this variant is classified as likely pathogenic for primary mitochondrial disorders.In general, the clinical presentation associated with pathogenic mitochondrial variants depends on tissue distribution and the percentage of heteroplasmy. Heteroplasmy levels may be elevated significantly in different tissue types, such as the central nervous system, striated muscle, kidney, eyes, liver, and endocrine system (PMID: 33814365, 24846800).

Clinical Omics and Informatics (COIN) Unit, Neuroscience Institute, University Of Cape Town
Classification: Likely pathogenic for NARP syndrome. Last evaluated: 2025-05-23. Review status: criteria provided, single submitter. Criteria: ACMG Guidelines, 2015. Collection method: research. Allele origin: maternal. Inheritance: Mitochondrial inheritance. Affected: yes. Observed: 1 variant allele, 1 heterozygote. Not counted in ClinVar's aggregate classification.
Comment: This variant is pathogenic and likely causing the proband's disease. It has been reported to cause ataxia, upper motor neuron signs and neuropathy in multiple individuals (DOI 10.1002/ana.25525). The variant is near homoplasmic as described in literature. The variant is very rare in gnomAD v3.1 (two individuals) and classified as Likely Pathogenic in ClinVar. The variant may also have implications for other family members. This variant could also have implications for other family members. Sequencing funded by the International Centre for Genomic Medicine in Neuromuscular Diseases (ICGNMD).

3billion
Classification: Likely pathogenic for MT-ATP6-related disorder. Last evaluated: 2024-12-10. Review status: criteria provided, single submitter. Criteria: ACMG Guidelines, 2015. Collection method: clinical testing. Allele origin: germline. Affected: yes. Not counted in ClinVar's aggregate classification.
Comment: The variant is observed at an extremely low frequency in the gnomAD v4.1.0 dataset (heteroplasmic allele frequency: 0.004%). Predicted Consequence/Location: Mitochondrial variant The same nucleotide change resulting in the same amino acid change has been previously reported as pathogenic/likely pathogenic with strong evidence (3billion dataset/ClinVar ID: VCV000690280). Therefore, this variant is classified as Likely pathogenic according to the recommendation of ACMG/AMP guideline.

Mendelics
Classification: Pathogenic for Leber optic atrophy. Last evaluated: 2022-05-04. Review status: criteria provided, single submitter. Criteria: Mendelics Assertion Criteria 2019. Collection method: clinical testing. Allele origin: germline. Not counted in ClinVar's aggregate classification.

Illumina Laboratory Services, Illumina
Classification: Uncertain significance for MT-ATP6-related primary mitochondrial disease. Last evaluated: 2022-04-25. Review status: criteria provided, single submitter. Criteria: ICSLVariantClassificationCriteria RUGD 01 April 2020. Collection method: clinical testing. Allele origin: unknown. Not counted in ClinVar's aggregate classification.
Comment: The MT-ATP6 m.9035T>C (p.Leu170Pro) mitochondrial missense variant results in a substitution of leucine at amino acid position 170 with proline. This variant has been reported in at least seven studies, in either a homoplasmic or heteroplasmic state in ten individuals with primary mitochondrial disease (Sikorska et al. 2009; Pfeffer et al. 2012; Ng et al. 2019; Garret et al. 2019; Haraux et al. 2019 ; Stendel et al. 2020; Capiau et al. 2022). A broad spectrum of clinical findings of varying severity are reported in affected individuals and most often include developmental delay, learning difficulties, progressive ataxia and neuropathy. At least two individuals were diagnosed with Leigh syndrome. The age of onset in affected individuals was highly variable, ranging from six months to over fifty years. Where available, heteroplasmy levels were reported to be greater than 90% in the blood samples of affected individuals suggesting a high phenotypic threshold level (Ng et al. 2019). This variant is not found in a homoplasmic state in version 3.1.2 of the Genome Aggregation Database. Functional studies in transmitochondrial cybrid cell lines generated from patient lymphoblast cells showed a significant reduction in basal ATP content and in oligomycin sensitive ATPase activity, compared to control lines. Based on the available evidence, the m.9035T>C (p.Leu170Pro) variant is classified as a variant of uncertain significance for MT-ATP6-related primary mitochondrial disease.

Illumina Laboratory Services, Illumina
Classification: Uncertain significance for Mitochondrial disease. Last evaluated: 2022-04-25. Review status: criteria provided, single submitter. Criteria: ICSLVariantClassificationCriteria RUGD 01 April 2020. Collection method: clinical testing. Allele origin: unknown. Not counted in ClinVar's aggregate classification.
Comment: The MT-ATP6 m.9035T>C p.(Leu170Pro) mitochondrial missense variant has been reported in at least seven studies, in either a homoplasmic or heteroplasmic state in ten individuals with primary mitochondrial disease (Sikorska et al. 2009; Pfeffer et al. 2012; Ng et al. 2019; Garret et al. 2019; Haraux et al. 2019 ; Stendel et al. 2020; Capiau et al. 2022). A broad spectrum of clinical findings of varying severity are reported in affected individuals and most often include developmental delay, learning difficulties, progressive ataxia and neuropathy. At least two individuals were diagnosed with Leigh syndrome. The age of onset in affected individuals was highly variable, ranging from six months to over fifty years. Where available, heteroplasmy levels were reported to be greater than 90% in the blood samples of affected individuals suggesting a high phenotypic threshold level (Ng et al. 2019). This variant is not found in a homoplasmic state in version 3.1.2 of the Genome Aggregation Database. Functional studies in transmitochondrial cybrid cell lines generated from patient lymphoblast cells showed a significant reduction in basal ATP content and in oligomycin sensitive ATPase activity, compared to control lines. Based on the available evidence, the m.9035T>C p.(Leu170Pro) variant is classified as a variant of uncertain significance MT-ATP6-related primary mitochondrial disease.

NC_012920.1(MT-ATP6):m.9035T>C

Gene: MT-ATP6 (mitochondrially encoded ATP synthase 6; plus strand).
Variant type: single nucleotide variant.
Genome position: chrM-9035-T-C.
Identifiers: ClinVar variation 690280 (VCV000690280.38), dbSNP rs1603222000, ClinGen allele CA414801955.